The following is an entry in ClinVar:

NM_005085.4(NUP214):c.5686G>C (p.Asp1896His)

Gene: NUP214 (nucleoporin 214; plus strand). Cytogenetic location: 9q34.13.
Variant type: single nucleotide variant.
Coding change: c.5686G>C on transcript NM_005085.4 (MANE Select); coding-DNA position 5686, G replaced by C.
Protein change: p.Asp1896His; replaces aspartic acid 1896 with histidine.
Molecular consequence: missense variant.
Genome position (GRCh38, 1-based): chr9:131,215,305, G>C. VCF-style: chr9-131215305-G-C. GRCh37 (hg19) VCF-style: chr9-134090692-G-C.
Other names: c.5656G>C, p.Asp1886His (NM_001318324.2); c.2164G>C, p.Asp722His (NM_001318325.2); short protein forms D1886H, D1896H, D722H.
Identifiers: ClinVar variation 1316009 (VCV001316009.2), dbSNP rs369217753, ClinGen allele CA5290221.

ClinVar aggregate classification (germline): Uncertain significance (1 of 4 stars; one submission).

Allele frequency attached by ClinVar (database versions not stated): TOPMed below 0.00001; gnomAD exomes 0.00001; ExAC 0.00002; ESP Exome Variant Server 0.00008.
gnomAD v4.1: 4 of 1,610,360 alleles (0.00025%); highest among the groups gnomAD compares: Non-Finnish European, 0.00025%; no homozygotes.

Submission:

GeneDx
Classification: Uncertain significance. Last evaluated: 2020-01-12. Review status: criteria provided, single submitter. Criteria: GeneDx Variant Classification Process June 2021. Collection method: clinical testing. Allele origin: germline. Affected: yes.
Comment: Not observed at a significant frequency in large population cohorts (Lek et al., 2016); In silico analysis, which includes protein predictors and evolutionary conservation, supports a deleterious effect; Has not been previously published as pathogenic or benign to our knowledge